The following is an entry in ClinVar:

ClinVar aggregate classification (germline): Conflicting classifications of pathogenicity. Review status: criteria provided, conflicting classifications (1 of 4 stars). 2 submissions from 2 submitters: Uncertain significance (1); Likely benign (1). Last evaluated 2023-08-29.

Conditions:
Mitochondrial DNA depletion syndrome 13. Also called: FBXL4-Related Encephalomyopathic Mitochondrial DNA Depletion Syndrome; Mitochondrial DNA depletion syndrome 13 (encephalomyopathic type). Identifiers: Orphanet 369897, MedGen C3809592, MONDO:0014198, OMIM 615471.

Allele frequency attached by ClinVar (database versions not stated): gnomAD exomes 0.00001 and below 0.00001; ExAC 0.00002.
gnomAD v4.1: 2 of 1,613,398 alleles (0.00012%); highest among the groups gnomAD compares: South Asian, 0.0022%; no homozygotes.

Submissions (2):

Labcorp Genetics (formerly Invitae), Labcorp
Classification: Likely benign. Last evaluated: 2023-08-29. Review status: criteria provided, single submitter. Criteria: Invitae Variant Classification Sherloc (09022015). Collection method: clinical testing. Allele origin: germline.

Wong Mito Lab, Molecular and Human Genetics, Baylor College of Medicine
Classification: Uncertain significance for Mitochondrial DNA depletion syndrome 13. Last evaluated: 2017-08-10. Review status: criteria provided, single submitter. Criteria: ACMG Guidelines, 2015. Collection method: reference population. Allele origin: germline.
Comment: The NM_012160.4:c.1764T>G (NP_036292.2:p.Ser588=) [GRCH38: NC_000006.12:g.98874380A>C] variant in FBXL4 gene is interpretated to be a Uncertain Significance - Conflicting Evidence based on ACMG guidelines (PMID: 25741868). This variant meets one or more of the following evidence codes reported in the ACMG-guideline. PM2:This variant is absent in key population databases. BP4:Computational evidence/predictors indicate no impact on the FBXL4 structure, function, or protein-protein interaction. BP7:The variant is silent with non predicted splice impact. Based on this evidence code ClinGen Pathogenicity Calculator (PMID:28081714) suggested that the variant is Uncertain Significance - Conflicting Evidence.

NM_001278716.2(FBXL4):c.1764T>G (p.Ser588=)

Gene: FBXL4 (F-box and leucine rich repeat protein 4; minus strand). Cytogenetic location: 6q16.1.
Variant type: single nucleotide variant.
Coding change: c.1764T>G on transcript NM_001278716.2 (MANE Select); coding-DNA position 1764, T replaced by G.
Protein change: p.Ser588=; no amino-acid change (serine 588 retained).
Molecular consequence: synonymous variant. On other transcripts: non-coding transcript variant (1).
Genome position (GRCh38, 1-based): chr6:98,874,380, A>C on the plus strand (T>G on the coding strand, the complement: FBXL4 is on the minus strand). VCF-style: chr6-98874380-A-C. GRCh37 (hg19) VCF-style: chr6-99322256-A-C.
Other names: c.1764T>G, p.Ser588= (NM_012160.5).
Identifiers: ClinVar variation 437811 (VCV000437811.4), dbSNP rs770326964, ClinGen allele CA3933346.